The following is an entry in ClinVar:

NM_001292063.2(OTOG):c.1855C>T (p.Arg619Cys)

Gene: OTOG (otogelin; plus strand). Cytogenetic location: 11p15.1.
Variant type: single nucleotide variant.
Coding change: c.1855C>T on transcript NM_001292063.2 (MANE Select); coding-DNA position 1855, C replaced by T.
Protein change: p.Arg619Cys; replaces arginine 619 with cysteine.
Molecular consequence: missense variant.
Genome position (GRCh38, 1-based): chr11:17,570,290, C>T. VCF-style: chr11-17570290-C-T. GRCh37 (hg19) VCF-style: chr11-17591837-C-T.
Other names: c.1891C>T, p.Arg631Cys (NM_001277269.2); short protein forms R619C, R631C.
Identifiers: ClinVar variation 1304502 (VCV001304502.2), dbSNP rs909124808, ClinGen allele CA218504340.

ClinVar aggregate classification (germline): Uncertain significance (1 of 4 stars; one submission).

Allele frequency attached by ClinVar (database versions not stated): gnomAD exomes below 0.00001 and 0.00002; TOPMed 0.00003.
gnomAD v4.1: 9 of 1,550,670 alleles (0.00058%); highest among the groups gnomAD compares: African/African-American, 0.0055%; no homozygotes.

Submission:

GeneDx
Classification: Uncertain significance. Last evaluated: 2019-01-28. Review status: criteria provided, single submitter. Criteria: GeneDx Variant Classification Process June 2021. Collection method: clinical testing. Allele origin: germline. Affected: yes.
Comment: Not observed at a significant frequency in large population cohorts (Lek et al., 2016); In silico analysis supports that this missense variant has a deleterious effect on protein structure/function; Has not been previously published as pathogenic or benign to our knowledge